The following is an entry in ClinVar:

ClinVar aggregate classification (germline): Uncertain significance. Review status: criteria provided, multiple submitters, no conflicts (2 of 4 stars). 3 submissions from 3 submitters: Uncertain significance (3). Last evaluated 2024-08-20.

Conditions:
Cardiovascular phenotype. Identifiers: MedGen CN230736.
Hereditary cancer-predisposing syndrome. Also called: Hereditary neoplastic syndrome; Neoplastic Syndromes, Hereditary; Tumor predisposition; Hereditary Cancer Syndrome. Identifiers: Orphanet 140162, MedGen C0027672, MeSH D009386, MONDO:0015356.
Neurofibromatosis, type 1 (NF1). Also called: VON RECKLINGHAUSEN DISEASE; Peripheral type neurofibromatosis; NEUROFIBROMATOSIS, TYPE I, SOMATIC; Neurofibromatosis, type I. Identifiers: Orphanet 636, MedGen C0027831, MONDO:0018975, OMIM 162200. Disease mechanism: loss of function.

Submissions (3):

Ambry Genetics
Classification: Uncertain significance for Cardiovascular phenotype; Hereditary cancer-predisposing syndrome. Last evaluated: 2024-08-20. Review status: criteria provided, single submitter. Criteria: Ambry Variant Classification Scheme 2023. Collection method: clinical testing. Allele origin: germline.
Comment: The c.8326_8328delGAG variant (also known as p.E2776del) is located in coding exon 57 of the NF1 gene. This variant results from an in-frame GAG deletion at nucleotide positions 8326 to 8328. This results in the in-frame deletion of a glutamic acid at codon 2776. This amino acid position is highly conserved in available vertebrate species. In addition, this alteration is predicted to be deleterious by in silico analysis (Choi Y et al. PLoS ONE. 2012; 7(10):e46688). Since supporting evidence is limited at this time, the clinical significance of this alteration remains unclear.

Labcorp Genetics (formerly Invitae), Labcorp
Classification: Uncertain significance for Neurofibromatosis, type 1. Last evaluated: 2024-03-28. Review status: criteria provided, single submitter. Criteria: Invitae Variant Classification Sherloc (09022015). Collection method: clinical testing. Allele origin: germline.
Comment: This variant, c.8326_8328del, results in the deletion of 1 amino acid(s) of the NF1 protein (p.Glu2776del), but otherwise preserves the integrity of the reading frame. This variant is not present in population databases (gnomAD no frequency). This variant has not been reported in the literature in individuals affected with NF1-related conditions. ClinVar contains an entry for this variant (Variation ID: 480208). Experimental studies and prediction algorithms are not available or were not evaluated, and the functional significance of this variant is currently unknown. In summary, the available evidence is currently insufficient to determine the role of this variant in disease. Therefore, it has been classified as a Variant of Uncertain Significance.

Genome-Nilou Lab
Classification: Uncertain significance for Neurofibromatosis, type 1. Last evaluated: 2022-03-15. Review status: criteria provided, single submitter. Criteria: ACMG Guidelines, 2015. Collection method: clinical testing. Allele origin: germline. Affected: no.

NM_001042492.3(NF1):c.8389_8391del (p.Glu2797del)

Gene: NF1 (neurofibromin 1; plus strand). Cytogenetic location: 17q11.2.
Variant type: Deletion.
Coding change: c.8389_8391del on transcript NM_001042492.3 (MANE Select); coding-DNA positions 8389 to 8391, 3 bases deleted (GAG; older notation c.8389_8391delGAG).
Protein change: p.Glu2797del; deletes glutamic acid 2797.
Molecular consequence: inframe deletion. On other transcripts: inframe indel (1).
Genome position (GRCh38, 1-based): chr17:31,374,024-31,374,026, GAG deleted; deleting any 3 consecutive bases within chr17:31,374,022-31,374,026 gives the same sequence; the c. name uses the placement nearest the transcript's 3' end. VCF-style (leftmost placement, unchanged base first): chr17-31374021-AAGG-A. GRCh37 (hg19) VCF-style: chr17-29701039-AAGG-A.
Other names: c.8326_8328delGAG (NM_000267.3); c.8326_8328delGAG, p.Glu2776del (NM_000267.4); short protein forms E2797del, E2776del.
Identifiers: ClinVar variation 480208 (VCV000480208.14), dbSNP rs1555538511, ClinGen allele CA658658610.